The following is an entry in ClinVar:

NM_001297595.2(SIN3B):c.203T>C (p.Ile68Thr)

Gene: SIN3B (SIN3 transcription regulator family member B; plus strand). Cytogenetic location: 19p13.11.
Variant type: single nucleotide variant.
Coding change: c.203T>C on transcript NM_001297595.2 (MANE Select); coding-DNA position 203, T replaced by C.
Protein change: p.Ile68Thr; replaces isoleucine 68 with threonine.
Molecular consequence: missense variant.
Genome position (GRCh38, 1-based): chr19:16,829,873, T>C. VCF-style: chr19-16829873-T-C. GRCh37 (hg19) VCF-style: chr19-16940684-T-C.
Other names: c.203T>C, p.Ile68Thr (NM_015260.4); short protein forms I68T.
Identifiers: ClinVar variation 2663145 (VCV002663145.1), dbSNP rs866523206, ClinGen allele CA306018879.

ClinVar aggregate classification (germline): Uncertain significance (1 of 4 stars; one submission).

Submission:

GeneDx
Classification: Uncertain significance. Last evaluated: 2023-04-06. Review status: criteria provided, single submitter. Criteria: GeneDx Variant Classification Process June 2021. Collection method: clinical testing. Allele origin: germline. Affected: yes.
Comment: Not observed at significant frequency in large population cohorts (gnomAD); In silico analysis supports that this missense variant has a deleterious effect on protein structure/function; Has not been previously published as pathogenic or benign to our knowledge